The following is an entry in ClinVar:

ClinVar aggregate classification (germline): Benign. Review status: criteria provided, multiple submitters, no conflicts (2 of 4 stars). 13 submissions from 13 submitters: Benign (11). 2 of the submissions do not count toward it. Last evaluated 2026-02-04.

Conditions:
Hypokalemic periodic paralysis, type 1. Also called: Hypokalemic Periodic Paralysis Type 1 (AD); HypoPP. Identifiers: Orphanet 681, MedGen C3714580, MONDO:0042979, OMIM 170400.
Malignant hyperthermia, susceptibility to, 5 (MHS5). Also called: CACNA1S-Related Malignant Hyperthermia Susceptibility. Identifiers: Orphanet 423, MedGen C1866077, MONDO:0011163, OMIM 601887.

Allele frequency attached by ClinVar (database versions not stated): 1000 Genomes Project 0.12720; 1000 Genomes Project 30x 0.13023; gnomAD 0.22856; TOPMed 0.23278; ExAC 0.24283; ESP Exome Variant Server 0.27464.
gnomAD v4.1: 519,736 of 1,613,478 alleles (32%); highest among the groups gnomAD compares: Non-Finnish European, 38%; 94,186 homozygotes.

Submissions (13):

Labcorp Genetics (formerly Invitae), Labcorp
Classification: Benign for Hypokalemic periodic paralysis, type 1; Malignant hyperthermia, susceptibility to, 5. Last evaluated: 2026-02-04. Review status: criteria provided, single submitter. Criteria: Invitae Variant Classification Sherloc (09022015). Collection method: clinical testing. Allele origin: germline.

Blueprint Genetics
Classification: Benign. Last evaluated: 2024-11-26. Review status: criteria provided, single submitter. Criteria: ACMG Guidelines, 2015. Collection method: clinical testing. Allele origin: germline.

All of Us Research Program, National Institutes of Health
Classification: Benign for Malignant hyperthermia, susceptibility to, 5. Last evaluated: 2024-02-05. Review status: criteria provided, single submitter. Criteria: ACMG Guidelines, 2015. Collection method: clinical testing. Allele origin: germline. Inheritance: Autosomal dominant inheritance. Observed: 54,864 variant alleles, 43,216 heterozygotes, 11,648 homozygotes.
Comment: This study involves interpretation of variants in research participants for the purpose of population health screening. Participant phenotype was not available at the time of variant classification. Additional details can be found in publication PMID: 35346344, PMCID: PMC8962531

Color Diagnostics, LLC DBA Color Health
Classification: Benign for Malignant hyperthermia, susceptibility to, 5. Last evaluated: 2022-08-17. Review status: criteria provided, single submitter. Criteria: ACMG Guidelines, 2015. Collection method: clinical testing. Allele origin: germline.

Genome-Nilou Lab
Classification: Benign for Hypokalemic periodic paralysis, type 1. Last evaluated: 2021-07-14. Review status: criteria provided, single submitter. Criteria: ACMG Guidelines, 2015. Collection method: clinical testing. Allele origin: germline. Affected: no.

Athena Diagnostics
Classification: Benign. Last evaluated: 2021-06-22. Review status: criteria provided, single submitter. Criteria: Athena Diagnostics Criteria. Collection method: clinical testing. Allele origin: unknown.

Mayo Clinic Laboratories, Mayo Clinic
Classification: Benign. Last evaluated: 2017-07-21. Review status: criteria provided, single submitter. Criteria: ACMG Guidelines, 2015. Collection method: clinical testing. Allele origin: germline. Observed: 297 variant alleles.

Illumina Laboratory Services, Illumina
Classification: Benign for Hypokalemic periodic paralysis, type 1. Last evaluated: 2017-04-27. Review status: criteria provided, single submitter. Criteria: ICSL Variant Classification Criteria 13 December 2019. Collection method: clinical testing. Allele origin: germline.
Comment: This variant was observed as part of a predisposition screen in an ostensibly healthy population. A literature search was performed for the gene, cDNA change, and amino acid change (where applicable). No publications were found based on this search. Allele frequency data from public databases was too high to be consistent with this variant causing disease. Therefore, this variant is classified as benign.

GeneDx
Classification: Benign. Last evaluated: 2016-01-05. Review status: criteria provided, single submitter. Criteria: GeneDx Variant Classification (06012015). Collection method: clinical testing. Allele origin: germline. Affected: yes.
Comment: This variant is considered likely benign or benign based on one or more of the following criteria: it is a conservative change, it occurs at a poorly conserved position in the protein, it is predicted to be benign by multiple in silico algorithms, and/or has population frequency not consistent with disease.

Breakthrough Genomics
Classification: Benign. Review status: criteria provided, single submitter. Criteria: ACMG Guidelines, 2015. Collection method: not provided. Allele origin: germline. Inheritance: Autosomal dominant inheritance. Affected: yes.

PreventionGenetics, part of Exact Sciences
Classification: Benign. Review status: criteria provided, single submitter. Criteria: ACMG Guidelines, 2015. Collection method: clinical testing. Allele origin: germline.

Diagnostic Laboratory, Department of Genetics, University Medical Center Groningen
Classification: Benign. Review status: no assertion criteria provided. Collection method: clinical testing. Allele origin: germline. Affected: yes. Study: VKGL Data-share Consensus. Not counted in ClinVar's aggregate classification.

Joint Genome Diagnostic Labs from Nijmegen and Maastricht, Radboudumc and MUMC+
Classification: Benign. Review status: no assertion criteria provided. Collection method: clinical testing. Allele origin: germline. Affected: yes. Study: VKGL Data-share Consensus. Not counted in ClinVar's aggregate classification.

NM_000069.3(CACNA1S):c.1371T>G (p.Pro457=)

Gene: CACNA1S (calcium voltage-gated channel subunit alpha1 S; minus strand). Cytogenetic location: 1q32.1.
Variant type: single nucleotide variant.
Coding change: c.1371T>G on transcript NM_000069.3 (MANE Select); coding-DNA position 1371, T replaced by G.
Protein change: p.Pro457=; no amino-acid change (proline 457 retained).
Molecular consequence: synonymous variant.
Genome position (GRCh38, 1-based): chr1:201,083,184, A>C on the plus strand (T>G on the coding strand, the complement: CACNA1S is on the minus strand). VCF-style: chr1-201083184-A-C. GRCh37 (hg19) VCF-style: chr1-201052312-A-C.
Other names: p.Pro457=.
Identifiers: ClinVar variation 254788 (VCV000254788.27), dbSNP rs12742170, ClinGen allele CA078168.